The following is an entry in ClinVar:

ClinVar aggregate classification (germline): Uncertain significance (1 of 4 stars; one submission).

Conditions:
Familial cancer of breast. Also called: hereditary breast carcinoma; BREAST CANCER, FAMILIAL; Hereditary breast cancer. Identifiers: Orphanet 227535, MedGen C0346153, MONDO:0016419, OMIM 114480. Disease mechanism: loss of function.

Allele frequency attached by ClinVar (database versions not stated): gnomAD exomes below 0.00001.

Submission:

Labcorp Genetics (formerly Invitae), Labcorp
Classification: Uncertain significance for Familial cancer of breast. Last evaluated: 2020-11-26. Review status: criteria provided, single submitter. Criteria: Invitae Variant Classification Sherloc (09022015). Collection method: clinical testing. Allele origin: germline.
Comment: In summary, the available evidence is currently insufficient to determine the role of this variant in disease. Therefore, it has been classified as a Variant of Uncertain Significance. Algorithms developed to predict the effect of sequence changes on RNA splicing suggest that this variant may create or strengthen a splice site, but this prediction has not been confirmed by published transcriptional studies. Algorithms developed to predict the effect of missense changes on protein structure and function (SIFT, PolyPhen-2, Align-GVGD) all suggest that this variant is likely to be disruptive, but these predictions have not been confirmed by published functional studies and their clinical significance is uncertain. This variant has not been reported in the literature in individuals with BARD1-related conditions. This variant is not present in population databases (ExAC no frequency). This sequence change replaces leucine with valine at codon 513 of the BARD1 protein (p.Leu513Val). The leucine residue is highly conserved and there is a small physicochemical difference between leucine and valine.

NM_000465.4(BARD1):c.1537T>G (p.Leu513Val)

Gene: BARD1 (BRCA1 associated RING domain 1; minus strand). Cytogenetic location: 2q35.
Variant type: single nucleotide variant.
Coding change: c.1537T>G on transcript NM_000465.4 (MANE Select); coding-DNA position 1537, T replaced by G.
Protein change: p.Leu513Val; replaces leucine 513 with valine.
Molecular consequence: missense variant. On other transcripts: non-coding transcript variant (3), intron variant (3).
Genome position (GRCh38, 1-based): chr2:214,767,513, A>C on the plus strand (T>G on the coding strand, the complement: BARD1 is on the minus strand). VCF-style: chr2-214767513-A-C. GRCh37 (hg19) VCF-style: chr2-215632237-A-C.
Other names: c.1480T>G, p.Leu494Val (NM_001282543.2); c.159-14958T>G (NM_001282548.2); c.216-14958T>G (NM_001282545.2); c.364+24784T>G (NM_001282549.2); short protein forms L494V, L513V.
Identifiers: ClinVar variation 1393327 (VCV001393327.9), dbSNP rs1553619217, ClinGen allele CA350448194.